The following is an entry in ClinVar:

ClinVar aggregate classification (germline): Benign. Review status: reviewed by expert panel (3 of 4 stars). 4 submissions from 4 submitters: Benign (1). 3 of the submissions do not count toward it. Last evaluated 2024-05-07.

Conditions:
Complex neurodevelopmental disorder. Identifiers: Orphanet 528084, MedGen C5568766, MONDO:0100038.
Early-infantile DEE. Also called: Early infantile epileptic encephalopathy with suppression bursts; Ohtahara syndrome; Early infantile epileptic encephalopathy. Identifiers: Orphanet 1934, MedGen C0393706, MONDO:0800491.

Allele frequency attached by ClinVar (database versions not stated): TOPMed below 0.00001; gnomAD exomes 0.00002 and 0.00003; ExAC 0.00004.

Submissions (4):

ClinGen Epilepsy Sodium Channel Variant Curation Expert Panel, Clingen
Classification: Benign for Complex neurodevelopmental disorder. Last evaluated: 2024-05-07. Review status: reviewed by expert panel. Criteria: ClinGen EpilepsySCN ACMG Specifications SCN8A V1.0.0. Collection method: curation. Allele origin: germline. Inheritance: Autosomal dominant inheritance.
Comment: The c.4590G>A variant in SCN8A is a missense variant predicted to cause substitution of methionine by isoleucine at amino acid 1530 (p.Met1530Ile). The variant is present in the population database, gnomAD v2.1.1, at a total MAF of 0.003%, with the highest sub-population (South Asian) frequency of 0.02% (BA1). In summary, this variant meets criteria to be classifies as benign for autosomal dominant complex neurodevelopmental disorder by the Epilepsy Sodium Channel VCEP specifications: BA1 (version 1.0; approved 6/27/23).

Labcorp Genetics (formerly Invitae), Labcorp
Classification: Benign for Early-infantile DEE. Last evaluated: 2026-01-01. Review status: criteria provided, single submitter. Criteria: Invitae Variant Classification Sherloc (09022015). Collection method: clinical testing. Allele origin: germline. Not counted in ClinVar's aggregate classification.

Revvity Omics, Revvity
Classification: Uncertain significance. Last evaluated: 2021-01-11. Review status: criteria provided, single submitter. Criteria: ACMG Guidelines, 2015. Collection method: clinical testing. Allele origin: germline. Not counted in ClinVar's aggregate classification.

GeneDx
Classification: Likely benign. Last evaluated: 2018-11-01. Review status: criteria provided, single submitter. Criteria: GeneDx Variant Classification Process June 2021. Collection method: clinical testing. Allele origin: germline. Affected: yes. Not counted in ClinVar's aggregate classification.

NM_001330260.2(SCN8A):c.4590G>A (p.Met1530Ile)

Gene: SCN8A (sodium voltage-gated channel alpha subunit 8; plus strand). Cytogenetic location: 12q13.13.
Variant type: single nucleotide variant.
Coding change: c.4590G>A on transcript NM_001330260.2 (MANE Select); coding-DNA position 4590, G replaced by A.
Protein change: p.Met1530Ile; replaces methionine 1530 with isoleucine.
Molecular consequence: missense variant.
Genome position (GRCh38, 1-based): chr12:51,794,436, G>A. VCF-style: chr12-51794436-G-A. GRCh37 (hg19) VCF-style: chr12-52188220-G-A.
Other names: NM_001330260.2(SCN8A):c.4590G>A; p.Met1530Ile; c.4467G>A, p.Met1489Ile (NM_001177984.3, NM_001369788.1); c.4590G>A, p.Met1530Ile (NM_014191.4); short protein forms M1530I, M1489I.
Identifiers: ClinVar variation 449813 (VCV000449813.14), dbSNP rs771231471, ClinGen allele CA6571842.